The following is an entry in ClinVar:

NM_006506.5(RASA2):c.1783A>G (p.Lys595Glu)

Gene: RASA2 (RAS p21 protein activator 2; plus strand). Cytogenetic location: 3q23.
Variant type: single nucleotide variant.
Coding change: c.1783A>G on transcript NM_006506.5 (MANE Select); coding-DNA position 1783, A replaced by G.
Protein change: p.Lys595Glu; replaces lysine 595 with glutamic acid.
Molecular consequence: missense variant.
Genome position (GRCh38, 1-based): chr3:141,586,055, A>G. VCF-style: chr3-141586055-A-G. GRCh37 (hg19) VCF-style: chr3-141304897-A-G.
Other names: c.1783A>G, p.Lys595Glu (NM_001303245.3, NM_001303246.3); short protein forms K595E.
Identifiers: ClinVar variation 1780040 (VCV001780040.2), dbSNP rs143060268, ClinGen allele CA354781732.

ClinVar aggregate classification (germline): Uncertain significance (1 of 4 stars; one submission).

gnomAD v4.1: 7 of 1,611,304 alleles (0.00043%); highest among the groups gnomAD compares: Non-Finnish European, 0.00059%; no homozygotes.

Submission:

Ambry Genetics
Classification: Uncertain significance. Last evaluated: 2021-11-24. Review status: criteria provided, single submitter. Criteria: Ambry Variant Classification Scheme 2023. Collection method: clinical testing. Allele origin: germline.
Comment: The p.K595E variant (also known as c.1783A>G), located in coding exon 18 of the RASA2 gene, results from an A to G substitution at nucleotide position 1783. The lysine at codon 595 is replaced by glutamic acid, an amino acid with similar properties. This amino acid position is conserved. In addition, this alteration is predicted to be tolerated by in silico analysis. Since supporting evidence is limited at this time, the clinical significance of this alteration remains unclear.